The following is an entry in ClinVar:

NM_005591.4(MRE11):c.1877C>A (p.Ser626Tyr)

Gene: MRE11 (MRE11 double strand break repair nuclease; minus strand). Cytogenetic location: 11q21.
Variant type: single nucleotide variant.
Coding change: c.1877C>A on transcript NM_005591.4 (MANE Select); coding-DNA position 1877, C replaced by A.
Protein change: p.Ser626Tyr; replaces serine 626 with tyrosine.
Molecular consequence: missense variant.
Genome position (GRCh38, 1-based): chr11:94,437,226, G>T on the plus strand (C>A on the coding strand, the complement: MRE11 is on the minus strand). VCF-style: chr11-94437226-G-T. GRCh37 (hg19) VCF-style: chr11-94170392-G-T.
Other names: c.1877C>A (NM_005591.3); c.1874C>A, p.Ser625Tyr (NM_001330347.2); c.1793C>A, p.Ser598Tyr (NM_005590.4); short protein forms S598Y, S625Y, S626Y.
Identifiers: ClinVar variation 1681559 (VCV001681559.9), dbSNP rs1352158854, ClinGen allele CA382374887.

ClinVar aggregate classification (germline): Uncertain significance. Review status: criteria provided, multiple submitters, no conflicts (2 of 4 stars). 2 submissions from 2 submitters: Uncertain significance (2). Last evaluated 2025-03-27.

Conditions:
Ataxia-telangiectasia-like disorder (ATLD). Identifiers: MedGen C1858391, MONDO:0011457.
Hereditary cancer-predisposing syndrome. Also called: Hereditary neoplastic syndrome; Neoplastic Syndromes, Hereditary; Tumor predisposition; Hereditary Cancer Syndrome. Identifiers: Orphanet 140162, MedGen C0027672, MeSH D009386, MONDO:0015356.

Submissions (2):

Ambry Genetics
Classification: Uncertain significance for Hereditary cancer-predisposing syndrome. Last evaluated: 2025-03-27. Review status: criteria provided, single submitter. Criteria: Ambry Variant Classification Scheme 2023. Collection method: clinical testing. Allele origin: germline.
Comment: The p.S626Y variant (also known as c.1877C>A), located in coding exon 16 of the MRE11A gene, results from a C to A substitution at nucleotide position 1877. The serine at codon 626 is replaced by tyrosine, an amino acid with dissimilar properties. This amino acid position is conserved. In addition, this alteration is predicted to be tolerated by in silico analysis. Based on the available evidence, the clinical significance of this variant remains unclear.

Labcorp Genetics (formerly Invitae), Labcorp
Classification: Uncertain significance for Ataxia-telangiectasia-like disorder. Last evaluated: 2021-04-12. Review status: criteria provided, single submitter. Criteria: Invitae Variant Classification Sherloc (09022015). Collection method: clinical testing. Allele origin: germline.
Comment: In summary, the available evidence is currently insufficient to determine the role of this variant in disease. Therefore, it has been classified as a Variant of Uncertain Significance. Algorithms developed to predict the effect of missense changes on protein structure and function are either unavailable or do not agree on the potential impact of this missense change (SIFT: "Deleterious"; PolyPhen-2: "Benign"; Align-GVGD: "Class C0"). This variant has not been reported in the literature in individuals with MRE11-related conditions. This variant is not present in population databases (ExAC no frequency). This sequence change replaces serine with tyrosine at codon 626 of the MRE11 protein (p.Ser626Tyr). The serine residue is moderately conserved and there is a large physicochemical difference between serine and tyrosine.